The following is an entry in ClinVar:

NM_015388.4(YIPF3):c.870C>G (p.Leu290=)

Gene: YIPF3 (Yip1 domain family member 3; minus strand). Cytogenetic location: 6p21.1.
Variant type: single nucleotide variant.
Coding change: c.870C>G on transcript NM_015388.4 (MANE Select); coding-DNA position 870, C replaced by G.
Protein change: p.Leu290=; no amino-acid change (leucine 290 retained).
Molecular consequence: synonymous variant.
Genome position (GRCh38, 1-based): chr6:43,512,474, G>C on the plus strand (C>G on the coding strand, the complement: YIPF3 is on the minus strand). VCF-style: chr6-43512474-G-C. GRCh37 (hg19) VCF-style: chr6-43480212-G-C.
Identifiers: ClinVar variation 4281372 (VCV004281372.7).
Genomic context (GRCh38, chr6:43,512,474, plus strand): 5'-CCCACCCAGACCTTCCTGCCACTTACCCTCTACCACTTTGTGGTAGGCAAAATGCAGATA[G>C]AGCAGGAAGAGCATGTGTAGGGCAGCCAGGGTGCCACAGAGGAGCAGCCGCTGTGTGGGG-3'
Protein context (NP_056203.2, residues 280-300): TLAALHMLFL[Leu290=]YLHFAYHKVV

ClinVar aggregate classification (germline): Likely benign (1 of 4 stars; one submission).

Submission:

CeGaT Center for Human Genetics Tuebingen
Classification: Likely benign. Last evaluated: 2025-09-01. Review status: criteria provided, single submitter. Criteria: CeGaT Center For Human Genetics Tuebingen Variant Classification Criteria Version 2. Collection method: clinical testing. Allele origin: germline. Affected: yes. Observed: 1 variant allele.
Comment: YIPF3: BP4, BP7